The following is an entry in ClinVar:

NM_006361.6(HOXB13):c.256G>A (p.Gly86Arg)

Gene: HOXB13 (homeobox B13; minus strand). Cytogenetic location: 17q21.32.
Variant type: single nucleotide variant.
Coding change: c.256G>A on transcript NM_006361.6 (MANE Select); coding-DNA position 256, G replaced by A.
Protein change: p.Gly86Arg; replaces glycine 86 with arginine.
Molecular consequence: missense variant.
Genome position (GRCh38, 1-based): chr17:48,728,338, C>T on the plus strand (G>A on the coding strand, the complement: HOXB13 is on the minus strand). VCF-style: chr17-48728338-C-T. GRCh37 (hg19) VCF-style: chr17-46805700-C-T.
Other names: short protein forms G86R.
Identifiers: ClinVar variation 1044301 (VCV001044301.8), dbSNP rs1437427005, ClinGen allele CA400107829.

ClinVar aggregate classification (germline): Uncertain significance (1 of 4 stars; one submission).

Allele frequency attached by ClinVar (database versions not stated): gnomAD exomes below 0.00001.
gnomAD v4.1: 4 of 1,613,984 alleles (0.00025%); highest among the groups gnomAD compares: South Asian, 0.0033%; no homozygotes.

Submission:

Labcorp Genetics (formerly Invitae), Labcorp
Classification: Uncertain significance. Last evaluated: 2022-07-04. Review status: criteria provided, single submitter. Criteria: Invitae Variant Classification Sherloc (09022015). Collection method: clinical testing. Allele origin: germline.
Comment: This sequence change replaces glycine, which is neutral and non-polar, with arginine, which is basic and polar, at codon 86 of the HOXB13 protein (p.Gly86Arg). In summary, the available evidence is currently insufficient to determine the role of this variant in disease. Therefore, it has been classified as a Variant of Uncertain Significance. Algorithms developed to predict the effect of sequence changes on RNA splicing suggest that this variant may create or strengthen a splice site. Algorithms developed to predict the effect of missense changes on protein structure and function are either unavailable or do not agree on the potential impact of this missense change (SIFT: "Tolerated"; PolyPhen-2: "Probably Damaging"; Align-GVGD: "Class C0"). ClinVar contains an entry for this variant (Variation ID: 1044301). This variant has not been reported in the literature in individuals affected with HOXB13-related conditions. This variant is present in population databases (no rsID available, gnomAD 0.003%).